The following is an entry in ClinVar:

NM_170601.5(SIAE):c.50G>C (p.Trp17Ser)

Gene: SIAE (sialic acid acetylesterase; minus strand). Cytogenetic location: 11q24.2.
Variant type: single nucleotide variant.
Coding change: c.50G>C on transcript NM_170601.5 (MANE Select); coding-DNA position 50, G replaced by C.
Protein change: p.Trp17Ser; replaces tryptophan 17 with serine.
Molecular consequence: missense variant. On other transcripts: intron variant (1).
Genome position (GRCh38, 1-based): chr11:124,673,659, C>G on the plus strand (G>C on the coding strand, the complement: SIAE is on the minus strand). VCF-style: chr11-124673659-C-G. GRCh37 (hg19) VCF-style: chr11-124543555-C-G.
Other names: c.-39+1599G>C (NM_001199922.2); c.50G>C (NM_170601.4); short protein forms W17S.
Identifiers: ClinVar variation 2899684 (VCV002899684.4), dbSNP rs2496963316, ClinGen allele CA383123216.

ClinVar aggregate classification (germline): Uncertain significance. Review status: criteria provided, multiple submitters, no conflicts (2 of 4 stars). 2 submissions from 2 submitters: Uncertain significance (2). Last evaluated 2025-05-16.

Submissions (2):

Ambry Genetics
Classification: Uncertain significance. Last evaluated: 2025-05-16. Review status: criteria provided, single submitter. Criteria: Ambry Variant Classification Scheme 2023. Collection method: clinical testing. Allele origin: germline.

Labcorp Genetics (formerly Invitae), Labcorp
Classification: Uncertain significance. Last evaluated: 2024-01-29. Review status: criteria provided, single submitter. Criteria: Invitae Variant Classification Sherloc (09022015). Collection method: clinical testing. Allele origin: germline.
Comment: This sequence change replaces tryptophan, which is neutral and slightly polar, with serine, which is neutral and polar, at codon 17 of the SIAE protein (p.Trp17Ser). This variant is not present in population databases (gnomAD no frequency). This variant has not been reported in the literature in individuals affected with SIAE-related conditions. An algorithm developed to predict the effect of missense changes on protein structure and function (PolyPhen-2) suggests that this variant is likely to be tolerated. In summary, the available evidence is currently insufficient to determine the role of this variant in disease. Therefore, it has been classified as a Variant of Uncertain Significance.